The following is an entry in ClinVar:

ClinVar aggregate classification (germline): Uncertain significance (1 of 4 stars; one submission).

Conditions:
Nephronophthisis. Also called: Juvenile Nephronophthisis. Identifiers: Orphanet 655, MedGen C0687120, MONDO:0019005, HP:0000090.

gnomAD v4.1: 2 of 1,614,108 alleles (0.00012%); highest among the groups gnomAD compares: Non-Finnish European, 0.00017%; no homozygotes.

Submission:

Labcorp Genetics (formerly Invitae), Labcorp
Classification: Uncertain significance for Nephronophthisis. Last evaluated: 2024-08-31. Review status: criteria provided, single submitter. Criteria: Invitae Variant Classification Sherloc (09022015). Collection method: clinical testing. Allele origin: germline.
Comment: This sequence change replaces lysine, which is basic and polar, with methionine, which is neutral and non-polar, at codon 943 of the INVS protein (p.Lys943Met). This variant is not present in population databases (gnomAD no frequency). This variant has not been reported in the literature in individuals affected with INVS-related conditions. An algorithm developed to predict the effect of missense changes on protein structure and function (PolyPhen-2) suggests that this variant is likely to be disruptive. In summary, the available evidence is currently insufficient to determine the role of this variant in disease. Therefore, it has been classified as a Variant of Uncertain Significance.

NM_014425.5(INVS):c.2828A>T (p.Lys943Met)

Gene: INVS (inversin; plus strand). Cytogenetic location: 9q31.1.
Variant type: single nucleotide variant.
Coding change: c.2828A>T on transcript NM_014425.5 (MANE Select); coding-DNA position 2828, A replaced by T.
Protein change: p.Lys943Met; replaces lysine 943 with methionine.
Molecular consequence: missense variant. On other transcripts: non-coding transcript variant (1).
Genome position (GRCh38, 1-based): chr9:100,296,958, A>T. VCF-style: chr9-100296958-A-T. GRCh37 (hg19) VCF-style: chr9-103059240-A-T.
Other names: c.2540A>T, p.Lys847Met (NM_001318381.2); c.1850A>T, p.Lys617Met (NM_001318382.2); short protein forms K617M, K847M, K943M.
Identifiers: ClinVar variation 3606543 (VCV003606543.2).